The following is an entry in ClinVar:

NM_005188.4(CBL):c.590+20A>T

Gene: CBL (Cbl proto-oncogene; plus strand). Cytogenetic location: 11q23.3.
Variant type: single nucleotide variant.
Coding change: c.590+20A>T on transcript NM_005188.4 (MANE Select); 20 bases into the intron after coding-DNA position 590, A replaced by T.
Molecular consequence: intron variant.
Genome position (GRCh38, 1-based): chr11:119,271,901, A>T. VCF-style: chr11-119271901-A-T. GRCh37 (hg19) VCF-style: chr11-119142611-A-T.
Identifiers: ClinVar variation 1804768 (VCV001804768.2), dbSNP rs769677676, ClinGen allele CA2003896718.

ClinVar aggregate classification (germline): Conflicting classifications of pathogenicity. Review status: criteria provided, conflicting classifications (1 of 4 stars). 2 submissions from 2 submitters: Uncertain significance (1); Likely benign (1). Last evaluated 2025-05-09.

Conditions:
RASopathy. Also called: Noonan spectrum disorder; rasopathies. Identifiers: Orphanet 536391, MedGen C5555857, MONDO:0021060.

Submissions (2):

Labcorp Genetics (formerly Invitae), Labcorp
Classification: Likely benign for RASopathy. Last evaluated: 2025-05-09. Review status: criteria provided, single submitter. Criteria: Invitae Variant Classification Sherloc (09022015). Collection method: clinical testing. Allele origin: germline.

Women's Health and Genetics/Laboratory Corporation of America, LabCorp
Classification: Uncertain significance. Last evaluated: 2022-11-21. Review status: criteria provided, single submitter. Criteria: LabCorp Variant Classification Summary - May 2015. Collection method: clinical testing. Allele origin: germline.
Comment: Variant summary: CBL c.590+20A>T alters a non-conserved nucleotide located close to a canonical splice site and therefore could affect mRNA splicing, leading to a significantly altered protein sequence. 4/4 computational tools predict no significant impact on normal splicing. However, these predictions have yet to be confirmed by functional studies. The variant was absent in 250076 control chromosomes (gnomAD). The available data on variant occurrences in the general population are insufficient to allow any conclusion about variant significance. To our knowledge, no occurrence of c.590+20A>T in individuals affected with Noonan Syndrome And Related Conditions and no experimental evidence demonstrating its impact on protein function have been reported. No clinical diagnostic laboratories have submitted clinical-significance assessments for this variant to ClinVar after 2014. Based on the evidence outlined above, the variant was classified as uncertain significance.